The following is an entry in ClinVar:

NM_001042492.3(NF1):c.4770A>C (p.Leu1590Phe)

Gene: NF1 (neurofibromin 1; plus strand). Cytogenetic location: 17q11.2.
Variant type: single nucleotide variant.
Coding change: c.4770A>C on transcript NM_001042492.3 (MANE Select); coding-DNA position 4770, A replaced by C.
Protein change: p.Leu1590Phe; replaces leucine 1590 with phenylalanine.
Molecular consequence: missense variant.
Genome position (GRCh38, 1-based): chr17:31,265,274, A>C. VCF-style: chr17-31265274-A-C. GRCh37 (hg19) VCF-style: chr17-29592292-A-C.
Other names: c.4707A>C, p.Leu1569Phe (NM_000267.4); short protein forms L1569F, L1590F.
Identifiers: ClinVar variation 576533 (VCV000576533.8), dbSNP rs1567865021, ClinGen allele CA399001250.

ClinVar aggregate classification (germline): Uncertain significance. Review status: criteria provided, multiple submitters, no conflicts (2 of 4 stars). 2 submissions from 2 submitters: Uncertain significance (2). Last evaluated 2024-12-19.

Conditions:
Cardiovascular phenotype. Identifiers: MedGen CN230736.
Hereditary cancer-predisposing syndrome. Also called: Hereditary neoplastic syndrome; Tumor predisposition; Hereditary Cancer Syndrome; Neoplastic Syndromes, Hereditary. Identifiers: Orphanet 140162, MedGen C0027672, MeSH D009386, MONDO:0015356.
Neurofibromatosis, type 1 (NF1). Also called: Peripheral type neurofibromatosis; Neurofibromatosis, type I; VON RECKLINGHAUSEN DISEASE; NEUROFIBROMATOSIS, TYPE I, SOMATIC. Identifiers: Orphanet 636, MedGen C0027831, MONDO:0018975, OMIM 162200. Disease mechanism: loss of function.

Submissions (2):

Ambry Genetics
Classification: Uncertain significance for Cardiovascular phenotype; Hereditary cancer-predisposing syndrome. Last evaluated: 2024-12-19. Review status: criteria provided, single submitter. Criteria: Ambry Variant Classification Scheme 2023. Collection method: clinical testing. Allele origin: germline.
Comment: The p.L1569F variant (also known as c.4707A>C), located in coding exon 35 of the NF1 gene, results from an A to C substitution at nucleotide position 4707. The leucine at codon 1569 is replaced by phenylalanine, an amino acid with highly similar properties. This amino acid position is highly conserved in available vertebrate species. In addition, the in silico prediction for this alteration is inconclusive. Based on the available evidence, the clinical significance of this variant remains unclear.

Labcorp Genetics (formerly Invitae), Labcorp
Classification: Uncertain significance for Neurofibromatosis, type 1. Last evaluated: 2021-09-11. Review status: criteria provided, single submitter. Criteria: Invitae Variant Classification Sherloc (09022015). Collection method: clinical testing. Allele origin: germline.
Comment: This variant is not present in population databases (ExAC no frequency). This sequence change replaces leucine with phenylalanine at codon 1569 of the NF1 protein (p.Leu1569Phe). The leucine residue is moderately conserved and there is a small physicochemical difference between leucine and phenylalanine. This variant has not been reported in the literature in individuals affected with NF1-related conditions. Algorithms developed to predict the effect of missense changes on protein structure and function are either unavailable or do not agree on the potential impact of this missense change (SIFT: "Tolerated"; PolyPhen-2: "Probably Damaging"; Align-GVGD: "Class C0"). In summary, the available evidence is currently insufficient to determine the role of this variant in disease. Therefore, it has been classified as a Variant of Uncertain Significance.